The following is an entry in ClinVar:

ClinVar aggregate classification (germline): Uncertain significance (1 of 4 stars; one submission).

Submission:

GeneDx
Classification: Uncertain significance. Last evaluated: 2020-06-23. Review status: criteria provided, single submitter. Criteria: GeneDx Variant Classification Process June 2021. Collection method: clinical testing. Allele origin: germline. Affected: yes.
Comment: Not observed in large population cohorts (Lek et al., 2016); In silico analysis supports that this missense variant has a deleterious effect on protein structure/function; Has not been previously published as pathogenic or benign to our knowledge

NM_007126.5(VCP):c.2257C>T (p.Arg753Trp)

Gene: VCP (valosin containing protein; minus strand). Cytogenetic location: 9p13.3.
Variant type: single nucleotide variant.
Coding change: c.2257C>T on transcript NM_007126.5 (MANE Select); coding-DNA position 2257, C replaced by T.
Protein change: p.Arg753Trp; replaces arginine 753 with tryptophan.
Molecular consequence: missense variant.
Genome position (GRCh38, 1-based): chr9:35,057,434, G>A on the plus strand (C>T on the coding strand, the complement: VCP is on the minus strand). VCF-style: chr9-35057434-G-A. GRCh37 (hg19) VCF-style: chr9-35057431-G-A.
Other names: c.2122C>T, p.Arg708Trp (NM_001354927.2, NM_001354928.2); short protein forms R708W, R753W.
Identifiers: ClinVar variation 1303647 (VCV001303647.2), dbSNP rs2131026564, ClinGen allele CA373269561.